The following is an entry in ClinVar:

ClinVar aggregate classification (germline): Uncertain significance (1 of 4 stars; one submission).

Submission:

GeneDx
Classification: Uncertain significance. Last evaluated: 2024-08-23. Review status: criteria provided, single submitter. Criteria: GeneDx Variant Classification Process June 2021. Collection method: clinical testing. Allele origin: germline. Affected: yes.
Comment: Not observed at significant frequency in large population cohorts (gnomAD); Nonsense variant predicted to result in protein truncation as the last 63 amino acids are lost, although loss-of-function variants have not been reported downstream of this position in the protein; Has not been previously published as pathogenic or benign to our knowledge

NM_004973.4(JARID2):c.3552C>A (p.Tyr1184Ter)

Gene: JARID2 (jumonji and AT-rich interaction domain containing 2; plus strand). Cytogenetic location: 6p22.3.
Variant type: single nucleotide variant.
Coding change: c.3552C>A on transcript NM_004973.4 (MANE Select); coding-DNA position 3552, C replaced by A.
Protein change: p.Tyr1184Ter; replaces tyrosine 1184 with a stop codon.
Molecular consequence: nonsense.
Genome position (GRCh38, 1-based): chr6:15,517,262, C>A. VCF-style: chr6-15517262-C-A. GRCh37 (hg19) VCF-style: chr6-15517493-C-A.
Other names: c.3036C>A, p.Tyr1012Ter (NM_001267040.1); short protein forms Y1012*, Y1184*.
Identifiers: ClinVar variation 3764387 (VCV003764387.1).
Genomic context (GRCh38, chr6:15,517,262, plus strand): 5'-TGCTCTGCGCCACGTGGAGAAACAGAAGTCCTGCCGAGGGCTGAAGTTGATGTACCGCTA[C>A]GATGAGGTCAGTCCCTGCCCGCGGGGTAGGGCAGGGCGGCAGCGTGGCGCCTTCCCTGCT-3'